The following is an entry in ClinVar:

NM_001298.3(CNGA3):c.1626C>T (p.Ser542=)

Gene: CNGA3 (cyclic nucleotide gated channel subunit alpha 3; plus strand). Cytogenetic location: 2q11.2.
Variant type: single nucleotide variant.
Coding change: c.1626C>T on transcript NM_001298.3 (MANE Select); coding-DNA position 1626, C replaced by T.
Protein change: p.Ser542=; no amino-acid change (serine 542 retained).
Molecular consequence: synonymous variant.
Genome position (GRCh38, 1-based): chr2:98,396,796, C>T. VCF-style: chr2-98396796-C-T. GRCh37 (hg19) VCF-style: chr2-99013259-C-T.
Other names: c.1572C>T, p.Ser524= (NM_001079878.2).
Identifiers: ClinVar variation 337663 (VCV000337663.18), dbSNP rs78583671, ClinGen allele CA1794054.

ClinVar aggregate classification (germline): Benign. Review status: criteria provided, multiple submitters, no conflicts (2 of 4 stars). 3 submissions from 3 submitters: Benign (3). Last evaluated 2026-01-28.

Conditions:
Achromatopsia 2 (ACHM2). Also called: COLORBLINDNESS, TOTAL; ROD MONOCHROMACY 2; ROD MONOCHROMATISM 2. Identifiers: Orphanet 49382, MedGen C1857618, MONDO:0009003, OMIM 216900.

Allele frequency attached by ClinVar (database versions not stated): ESP Exome Variant Server 0.00054; gnomAD exomes 0.00224 and 0.00656; gnomAD 0.00275 and 0.00346; TOPMed 0.00357; ExAC 0.00639; 1000 Genomes Project 30x 0.01546; 1000 Genomes Project 0.01597.
gnomAD v4.1: 3,965 of 1,614,166 alleles (0.25%); highest among the groups gnomAD compares: East Asian, 6.3%; 121 homozygotes.

Submissions (3):

Labcorp Genetics (formerly Invitae), Labcorp
Classification: Benign. Last evaluated: 2026-01-28. Review status: criteria provided, single submitter. Criteria: Invitae Variant Classification Sherloc (09022015). Collection method: clinical testing. Allele origin: germline.

GeneDx
Classification: Benign. Last evaluated: 2018-06-27. Review status: criteria provided, single submitter. Criteria: GeneDx Variant Classification Process June 2021. Collection method: clinical testing. Allele origin: germline. Affected: yes.

Illumina Laboratory Services, Illumina
Classification: Benign for Achromatopsia 2. Last evaluated: 2018-01-13. Review status: criteria provided, single submitter. Criteria: ICSL Variant Classification Criteria 13 December 2019. Collection method: clinical testing. Allele origin: germline.
Comment: This variant was observed in the ICSL laboratory as part of a predisposition screen in an ostensibly healthy population. It had not been previously curated by ICSL or reported in the Human Gene Mutation Database (HGMD: prior to June 1st, 2018), and was therefore a candidate for classification through an automated scoring system. Utilizing variant allele frequency, disease prevalence and penetrance estimates, and inheritance mode, an automated score was calculated to assess if this variant is too frequent to cause the disease. Based on the score and internal cut-off values, a variant classified as benign is not then subjected to further curation. The score for this variant resulted in a classification of benign for this disease.